The following is an entry in ClinVar:

NC_000016.9:g.(?_87935498)_(87938530_?)dup

Gene: CA5A (carbonic anhydrase 5A; minus strand). Cytogenetic location: 16q24.2.
Variant type: Duplication.
Identifiers: ClinVar variation 2424226 (VCV002424226.4).

ClinVar aggregate classification (germline): Likely pathogenic (1 of 4 stars; one submission).

Conditions:
Hyperammonemic encephalopathy due to carbonic anhydrase VA deficiency. Also called: Carbonic Anhydrase VA Deficiency; Carbonic anhydrase VA deficiency, hyperammonemia due to. Identifiers: Orphanet 401948, MedGen C4706871, MONDO:0014332, OMIM 615751.

Submission:

Labcorp Genetics (formerly Invitae), Labcorp
Classification: Likely pathogenic for Hyperammonemic encephalopathy due to carbonic anhydrase VA deficiency. Last evaluated: 2022-07-21. Review status: criteria provided, single submitter. Criteria: Invitae Variant Classification Sherloc (09022015). Collection method: clinical testing. Allele origin: germline.
Comment: This variant results in a copy number gain of the genomic region encompassing exon(s) 3-5 of the CA5A gene. While the exact position of this variant cannot be determined from the data, sub-genic copy number gains are generally in tandem (PMID: 25640679). This variant is predicted to be out-of-frame, and may result in an absent or disrupted protein product. Loss-of-function variants in CA5A are known to be pathogenic (PMID: 24530203, 26913920). This variant has not been reported in the literature in individuals affected with CA5A-related conditions. In summary, the currently available evidence indicates that the variant is pathogenic, but additional data are needed to prove that conclusively. Therefore, this variant has been classified as Likely Pathogenic.

Literature cited by the submitters: PubMed 25640679; PubMed 24530203; PubMed 26913920.